The following is an entry in ClinVar:

NM_001004334.4(GPR179):c.3380C>T (p.Ser1127Phe)

Gene: GPR179 (G protein-coupled receptor 179; minus strand). Cytogenetic location: 17q12.
Variant type: single nucleotide variant.
Coding change: c.3380C>T on transcript NM_001004334.4 (MANE Select); coding-DNA position 3380, C replaced by T.
Protein change: p.Ser1127Phe; replaces serine 1127 with phenylalanine.
Molecular consequence: missense variant.
Genome position (GRCh38, 1-based): chr17:38,330,189, G>A on the plus strand (C>T on the coding strand, the complement: GPR179 is on the minus strand). VCF-style: chr17-38330189-G-A. GRCh37 (hg19) VCF-style: chr17-36486072-G-A.
Other names: short protein forms S1127F.
Identifiers: ClinVar variation 1464583 (VCV001464583.8), dbSNP rs1597663848, ClinGen allele CA398879928.

ClinVar aggregate classification (germline): Uncertain significance (1 of 4 stars; one submission).

Allele frequency attached by ClinVar (database versions not stated): gnomAD exomes below 0.00001.
gnomAD v4.1: 12 of 1,569,286 alleles (0.00076%); highest among the groups gnomAD compares: African/African-American, 0.0041%; no homozygotes.

Submission:

Labcorp Genetics (formerly Invitae), Labcorp
Classification: Uncertain significance. Last evaluated: 2023-10-09. Review status: criteria provided, single submitter. Criteria: Invitae Variant Classification Sherloc (09022015). Collection method: clinical testing. Allele origin: germline.
Comment: This sequence change replaces serine, which is neutral and polar, with phenylalanine, which is neutral and non-polar, at codon 1127 of the GPR179 protein (p.Ser1127Phe). This variant is not present in population databases (gnomAD no frequency). This variant has not been reported in the literature in individuals affected with GPR179-related conditions. ClinVar contains an entry for this variant (Variation ID: 1464583). An algorithm developed to predict the effect of missense changes on protein structure and function (PolyPhen-2) suggests that this variant is likely to be tolerated. In summary, the available evidence is currently insufficient to determine the role of this variant in disease. Therefore, it has been classified as a Variant of Uncertain Significance.